The following is an entry in ClinVar:

NC_000002.11:g.(?_108604592)_(108627337_?)dup

Gene: SLC5A7 (solute carrier family 5 member 7; plus strand). Cytogenetic location: 2q12.3.
Variant type: Duplication.
Identifiers: ClinVar variation 583584 (VCV000583584.1).

ClinVar aggregate classification (germline): Uncertain significance (1 of 4 stars; one submission).

Conditions:
Neuronopathy, distal hereditary motor, type 7A. Also called: HARPER-YOUNG MYOPATHY; HMN VIIA; NEURONOPATHY, DISTAL HEREDITARY MOTOR, HARDING TYPE VIIA; NEUROPATHY, DISTAL HEREDITARY MOTOR, HARDING TYPE VIIA; Neuronopathy, distal hereditary motor, autosomal dominant 7; SPINAL MUSCULAR ATROPHY, DISTAL, WITH VOCAL CORD PARALYSIS. Identifiers: Orphanet 139589, MedGen C1834703, MONDO:0008024, OMIM 158580.
Congenital myasthenic syndrome 20. Also called: Myasthenic syndrome, congenital, 20, presynaptic. Identifiers: MedGen C4310694, MONDO:0014939, OMIM 617143.

Submission:

Labcorp Genetics (formerly Invitae), Labcorp
Classification: Uncertain significance for Neuronopathy, distal hereditary motor, type viia; Myasthenic syndrome, congenital, 20, presynaptic. Last evaluated: 2018-05-23. Review status: criteria provided, single submitter. Criteria: Invitae Variant Classification Sherloc (09022015). Collection method: clinical testing. Allele origin: germline.
Comment: This variant results in a copy number gain of the genomic region encompassing the full coding sequence of the SLC5A7 gene. The boundaries of this event are unknown as they extend beyond the assayed region for this gene and therefore may encompass additional genes. As the precise location of this event is unknown, it may be in tandem or it may be located elsewhere in the genome. This variant has not been reported in the literature in individuals with SLC5A7-related disease. In summary, the available evidence is currently insufficient to determine the role of this variant in disease. Therefore, it has been classified as a Variant of Uncertain Significance.